The following is an entry in ClinVar:

NM_003000.3(SDHB):c.85G>T (p.Ala29Ser)

Gene: SDHB (succinate dehydrogenase complex iron sulfur subunit B; minus strand). Cytogenetic location: 1p36.13.
Variant type: single nucleotide variant.
Coding change: c.85G>T on transcript NM_003000.3 (MANE Select); coding-DNA position 85, G replaced by T.
Protein change: p.Ala29Ser; replaces alanine 29 with serine.
Molecular consequence: missense variant.
Genome position (GRCh38, 1-based): chr1:17,044,876, C>A on the plus strand (G>T on the coding strand, the complement: SDHB is on the minus strand). VCF-style: chr1-17044876-C-A. GRCh37 (hg19) VCF-style: chr1-17371371-C-A.
Other names: c.85G>T, p.Ala29Ser (NM_001407361.1); short protein forms A29S.
Identifiers: ClinVar variation 2937373 (VCV002937373.3), dbSNP rs2525060090, ClinGen allele CA338228387.

ClinVar aggregate classification (germline): Uncertain significance (1 of 4 stars; one submission).

Conditions:
Pheochromocytoma. Also called: MAX-Related Hereditary Paraganglioma-Pheochromocytoma Syndrome. Identifiers: Orphanet 29072, MedGen C0031511, MONDO:0008233, OMIM 171300, HP:0002666.
Gastrointestinal stromal tumor. Also called: Gastrointestinal stromal tumor, somatic; Gastrointestinal stroma tumor. Identifiers: Orphanet 44890, MedGen C0238198, MeSH D046152, MONDO:0011719, OMIM 606764, HP:0100723.
Pheochromocytoma/paraganglioma syndrome 4. Also called: CAROTID BODY TUMORS AND MULTIPLE EXTRAADRENAL PHEOCHROMOCYTOMAS; PARAGANGLIOMA, FAMILIAL MALIGNANT; PARAGANGLIOMAS, HEREDITARY EXTRAADRENAL; PHEOCHROMOCYTOMA, FAMILIAL EXTRAADRENAL; Paragangliomas 4; SDHB-Related Hereditary Paraganglioma-Pheochromocytoma Syndrome (Paragangliomas 4). Identifiers: Orphanet 29072, MedGen C1861848, MONDO:0007273, OMIM 115310.

Submission:

Labcorp Genetics (formerly Invitae), Labcorp
Classification: Uncertain significance for Gastrointestinal stromal tumor; Pheochromocytoma/paraganglioma syndrome 4; Pheochromocytoma. Last evaluated: 2023-02-01. Review status: criteria provided, single submitter. Criteria: Invitae Variant Classification Sherloc (09022015). Collection method: clinical testing. Allele origin: germline.
Comment: This sequence change replaces alanine, which is neutral and non-polar, with serine, which is neutral and polar, at codon 29 of the SDHB protein (p.Ala29Ser). This variant is not present in population databases (gnomAD no frequency). This variant has not been reported in the literature in individuals affected with SDHB-related conditions. Advanced modeling of protein sequence and biophysical properties (such as structural, functional, and spatial information, amino acid conservation, physicochemical variation, residue mobility, and thermodynamic stability) performed at Invitae indicates that this missense variant is not expected to disrupt SDHB protein function. In summary, the available evidence is currently insufficient to determine the role of this variant in disease. Therefore, it has been classified as a Variant of Uncertain Significance.